The following is an entry in ClinVar:

ClinVar aggregate classification (germline): Uncertain significance (0 of 4 stars; one submission).

Conditions:
PDGFRB-related disorder. Also called: PDGFRB-related condition.

gnomAD v4.1: 1 of 1,500,278 alleles (0.000067%); highest among the groups gnomAD compares: Non-Finnish European, 0.000093%; no homozygotes.

Submission:

PreventionGenetics, part of Exact Sciences
Classification: Uncertain significance for PDGFRB-related condition. Last evaluated: 2024-06-26. Review status: no assertion criteria provided. Collection method: clinical testing. Allele origin: germline.
Comment: The PDGFRB c.2798+8G>A variant is predicted to interfere with splicing. This variant is not predicted to significantly alter splicing based on available splicing prediction programs (SpliceAI, Jaganathan et al. 2019. PubMed ID: 30661751). However, the use of computer prediction programs is not equivalent to functional evidence. To our knowledge, this variant has not been reported in the literature or in a large population database, indicating this variant is rare. Although we suspect that this variant may be benign, at this time, the clinical significance of this variant is uncertain due to the absence of conclusive functional and genetic evidence.

NM_002609.4(PDGFRB):c.2798+8G>A

Gene: PDGFRB (platelet derived growth factor receptor beta; minus strand). Cytogenetic location: 5q32.
Variant type: single nucleotide variant.
Coding change: c.2798+8G>A on transcript NM_002609.4 (MANE Select); 8 bases into the intron after coding-DNA position 2798, G replaced by A.
Molecular consequence: intron variant.
Genome position (GRCh38, 1-based): chr5:150,119,459, C>T on the plus strand (G>A on the coding strand, the complement: PDGFRB is on the minus strand). VCF-style: chr5-150119459-C-T. GRCh37 (hg19) VCF-style: chr5-149499022-C-T.
Other names: c.2606+8G>A (NM_001355016.2); c.2315+8G>A (NM_001355017.2).
Identifiers: ClinVar variation 3349317 (VCV003349317.1).